The following is an entry in ClinVar:

NM_001205293.3(CACNA1E):c.4606-7T>C

Gene: CACNA1E (calcium voltage-gated channel subunit alpha1 E; plus strand). Cytogenetic location: 1q25.3.
Variant type: single nucleotide variant.
Coding change: c.4606-7T>C on transcript NM_001205293.3 (MANE Select); 7 bases into the intron before coding-DNA position 4606, T replaced by C.
Molecular consequence: intron variant.
Genome position (GRCh38, 1-based): chr1:181,762,567, T>C. VCF-style: chr1-181762567-T-C. GRCh37 (hg19) VCF-style: chr1-181731703-T-C.
Other names: p.?; c.4606-7T>C (NM_000721.4); c.4549-7T>C (NM_001205294.2).
Identifiers: ClinVar variation 709555 (VCV000709555.16), dbSNP rs74444271, ClinGen allele CA1275902.
Genomic context (GRCh38, chr1:181,762,567, plus strand): 5'-AGATGTCTTTTCTCCTTTTTTTTTTCTTTCCTTTTCTGATGTTCCTATGACTGAATTCAT[T>C]TGGCAGAACTATTTCCGAGACACCTGGAATATCTTTGACTTCATCACCGTGATTGGCAGT-3'

ClinVar aggregate classification (germline): Benign/Likely benign. Review status: criteria provided, multiple submitters, no conflicts (2 of 4 stars). 6 submissions from 6 submitters: Benign (3); Likely benign (3). Last evaluated 2026-02-03.

Conditions:
Developmental and epileptic encephalopathy, 69. Also called: EPILEPTIC ENCEPHALOPATHY, EARLY INFANTILE, 69. Identifiers: MedGen C4748988, MONDO:0032657, OMIM 618285.

Allele frequency attached by ClinVar (database versions not stated): gnomAD exomes 0.00070 and 0.00172; ExAC 0.00216; gnomAD 0.00703 and 0.00757; ESP Exome Variant Server 0.00724; 1000 Genomes Project 0.00759; TOPMed 0.00792; 1000 Genomes Project 30x 0.00906.
gnomAD v4.1: 2,123 of 1,570,006 alleles (0.14%); highest among the groups gnomAD compares: African/African-American, 2.5%; 30 homozygotes.

Submissions (6):

Labcorp Genetics (formerly Invitae), Labcorp
Classification: Benign. Last evaluated: 2026-02-03. Review status: criteria provided, single submitter. Criteria: Invitae Variant Classification Sherloc (09022015). Collection method: clinical testing. Allele origin: germline.

Genomic Medicine Center of Excellence, King Faisal Specialist Hospital and Research Centre
Classification: Likely benign. Last evaluated: 2025-08-18. Review status: criteria provided, single submitter. Criteria: ACMG Guidelines, 2015. Collection method: clinical testing. Allele origin: germline.

Mayo Clinic Laboratories, Mayo Clinic
Classification: Benign. Last evaluated: 2024-12-30. Review status: criteria provided, single submitter. Criteria: ACMG Guidelines, 2015. Collection method: clinical testing. Allele origin: germline. Observed: 2 variant alleles.
Comment: BA1, BP4, BP7

Genome-Nilou Lab
Classification: Benign for Developmental and epileptic encephalopathy, 69. Last evaluated: 2023-04-11. Review status: criteria provided, single submitter. Criteria: ACMG Guidelines, 2015. Collection method: clinical testing. Allele origin: germline. Affected: no.

GeneDx
Classification: Likely benign. Last evaluated: 2021-03-29. Review status: criteria provided, single submitter. Criteria: GeneDx Variant Classification Process June 2021. Collection method: clinical testing. Allele origin: germline. Affected: yes.

Breakthrough Genomics
Classification: Likely benign. Review status: criteria provided, single submitter. Criteria: ACMG Guidelines, 2015. Collection method: not provided. Allele origin: germline. Inheritance: Autosomal dominant inheritance. Affected: yes.